The following is an entry in ClinVar:

ClinVar aggregate classification (germline): Likely benign (0 of 4 stars; one submission).

Conditions:
KIF5C-related disorder. Also called: KIF5C-related condition.

Submission:

PreventionGenetics, part of Exact Sciences
Classification: Likely benign for KIF5C-related condition. Last evaluated: 2024-08-27. Review status: no assertion criteria provided. Collection method: clinical testing. Allele origin: germline.
Comment: This variant is classified as likely benign based on ACMG/AMP sequence variant interpretation guidelines (Richards et al. 2015 PMID: 25741868, with internal and published modifications).

NM_004522.3(KIF5C):c.*5A>C

Gene: KIF5C (kinesin family member 5C; plus strand). Cytogenetic location: 2q23.2.
Variant type: single nucleotide variant.
Coding change: c.*5A>C on transcript NM_004522.3 (MANE Select); 5 bases downstream of the stop codon, A replaced by C.
Molecular consequence: 3 prime UTR variant. On other transcripts: non-coding transcript variant (1).
Genome position (GRCh38, 1-based): chr2:149,011,681, A>C. VCF-style: chr2-149011681-A-C. GRCh37 (hg19) VCF-style: chr2-149868195-A-C.
Identifiers: ClinVar variation 3347258 (VCV003347258.1).